The following is an entry in ClinVar:

NM_000093.5(COL5A1):c.2065C>T (p.Pro689Ser)

Gene: COL5A1 (collagen type V alpha 1 chain; plus strand). Cytogenetic location: 9q34.3.
Variant type: single nucleotide variant.
Coding change: c.2065C>T on transcript NM_000093.5 (MANE Select); coding-DNA position 2065, C replaced by T.
Protein change: p.Pro689Ser; replaces proline 689 with serine.
Molecular consequence: missense variant.
Genome position (GRCh38, 1-based): chr9:134,765,711, C>T. VCF-style: chr9-134765711-C-T. GRCh37 (hg19) VCF-style: chr9-137657557-C-T.
Other names: c.2065C>T, p.Pro689Ser (NM_001278074.1); short protein forms P689S.
Identifiers: ClinVar variation 492836 (VCV000492836.6), dbSNP rs943838033, ClinGen allele CA201094661.

ClinVar aggregate classification (germline): Conflicting classifications of pathogenicity. Review status: criteria provided, conflicting classifications (1 of 4 stars). 4 submissions from 4 submitters: Uncertain significance (1); Likely benign (2). 1 of the submissions does not count toward it. Last evaluated 2026-01-12.

Conditions:
Ehlers-Danlos syndrome, classic type, 1 (EDSCL1). Also called: EHLERS-DANLOS SYNDROME, GRAVIS TYPE; EHLERS-DANLOS SYNDROME, SEVERE CLASSIC TYPE; EDS I; Ehlers-Danlos Syndrome, Classic Type, COL5A1-Related; Ehlers-Danlos syndrome, type 1. Identifiers: MedGen C0268335, MONDO:0019567, OMIM 130000.
Familial thoracic aortic aneurysm and aortic dissection (TAAD). Also called: Thoracic aortic aneurysms and dissections. Identifiers: Orphanet 91387, MedGen C4707243, MONDO:0019625.
Dilatation of aorta. Also called: Aortic dilatation. Identifiers: MedGen C0265004.

Allele frequency attached by ClinVar (database versions not stated): gnomAD exomes below 0.00001; TOPMed 0.00002; gnomAD 0.00001.
gnomAD v4.1: 22 of 1,612,736 alleles (0.0014%); highest among the groups gnomAD compares: Non-Finnish European, 0.0017%; no homozygotes.

Submissions (4):

Labcorp Genetics (formerly Invitae), Labcorp
Classification: Likely benign for Ehlers-Danlos syndrome, classic type, 1. Last evaluated: 2026-01-12. Review status: criteria provided, single submitter. Criteria: Invitae Variant Classification Sherloc (09022015). Collection method: clinical testing. Allele origin: germline.

Ambry Genetics
Classification: Uncertain significance for Familial thoracic aortic aneurysm and aortic dissection. Last evaluated: 2025-07-03. Review status: criteria provided, single submitter. Criteria: Ambry Variant Classification Scheme 2023. Collection method: clinical testing. Allele origin: germline.
Comment: The p.P689S variant (also known as c.2065C>T), located in coding exon 21 of the COL5A1 gene, results from a C to T substitution at nucleotide position 2065. The proline at codon 689 is replaced by serine, an amino acid with similar properties. This amino acid position is highly conserved in available vertebrate species. In addition, the in silico prediction for this alteration is inconclusive. Based on the available evidence, the clinical significance of this variant remains unclear.

Women's Health and Genetics/Laboratory Corporation of America, LabCorp
Classification: Likely benign. Last evaluated: 2025-04-28. Review status: criteria provided, single submitter. Criteria: LabCorp Variant Classification Summary - May 2015. Collection method: clinical testing. Allele origin: germline.
Comment: Variant summary: COL5A1 c.2065C>T (p.Pro689Ser) results in a non-conservative amino acid change in the encoded protein sequence. Three of five in-silico tools predict a damaging effect of the variant on protein function. The variant allele was found at a frequency of 1.4e-05 in 1612736 control chromosomes. This frequency is close to the estimated for a pathogenic variant in COL5A1 causing Ehlers-Danlos syndrome, classic type, Ehlers-Danlos syndrome, classic type, 1 (1.4e-05 vs 3.1e-05). To our knowledge, no occurrence of c.2065C>T in individuals affected with Ehlers-Danlos syndrome, classic type, Ehlers-Danlos syndrome, classic type, 1 and no experimental evidence demonstrating its impact on protein function have been reported. ClinVar contains an entry for this variant (Variation ID: 492836). Based on the evidence outlined above, the variant was classified as likely benign.

Clinical Molecular Genetics Laboratory, Johns Hopkins All Children's Hospital
Classification: Uncertain significance for Dilatation of aorta. Last evaluated: 2017-05-31. Review status: no assertion criteria provided. Collection method: clinical testing. Allele origin: germline. Affected: yes. Not counted in ClinVar's aggregate classification.